The following is an entry in ClinVar:

NM_001849.4(COL6A2):c.2363T>C (p.Leu788Pro)

Gene: COL6A2 (collagen type VI alpha 2 chain; plus strand). Cytogenetic location: 21q22.3.
Variant type: single nucleotide variant.
Coding change: c.2363T>C on transcript NM_001849.4 (MANE Select); coding-DNA position 2363, T replaced by C.
Protein change: p.Leu788Pro; replaces leucine 788 with proline.
Molecular consequence: missense variant.
Genome position (GRCh38, 1-based): chr21:46,126,178, T>C. VCF-style: chr21-46126178-T-C. GRCh37 (hg19) VCF-style: chr21-47546092-T-C.
Other names: c.2363T>C, p.Leu788Pro (NM_058174.3, NM_058175.3); short protein forms L788P.
Identifiers: ClinVar variation 1058078 (VCV001058078.9), dbSNP rs982360912, ClinGen allele CA321972900.

ClinVar aggregate classification (germline): Uncertain significance (1 of 4 stars; one submission).

Conditions:
Bethlem myopathy 1A. Also called: Bethlem Muscular Dystrophy; MYOPATHY, BENIGN CONGENITAL, WITH CONTRACTURES; Bethlem myopathy 1. Identifiers: Orphanet 610, MedGen CN029274, MONDO:0024530, OMIM 158810.

Allele frequency attached by ClinVar (database versions not stated): gnomAD 0.00001; gnomAD exomes 0.00001; TOPMed 0.00001.
gnomAD v4.1: 6 of 1,607,246 alleles (0.00037%); highest among the groups gnomAD compares: African/African-American, 0.0027%; no homozygotes.

Submission:

Labcorp Genetics (formerly Invitae), Labcorp
Classification: Uncertain significance for Bethlem myopathy 1A. Last evaluated: 2020-02-18. Review status: criteria provided, single submitter. Criteria: Invitae Variant Classification Sherloc (09022015). Collection method: clinical testing. Allele origin: germline.
Comment: This sequence change replaces leucine with proline at codon 788 of the COL6A2 protein (p.Leu788Pro). The leucine residue is moderately conserved and there is a moderate physicochemical difference between leucine and proline. This variant is not present in population databases (ExAC no frequency). This variant has not been reported in the literature in individuals with COL6A2-related conditions. Algorithms developed to predict the effect of missense changes on protein structure and function are either unavailable or do not agree on the potential impact of this missense change (SIFT: "Tolerated"; PolyPhen-2: "Probably Damaging"; Align-GVGD: "Class C0"). In summary, the available evidence is currently insufficient to determine the role of this variant in disease. Therefore, it has been classified as a Variant of Uncertain Significance.